The following is an entry in ClinVar:

NM_001429.4(EP300):c.5023C>T (p.His1675Tyr)

Gene: EP300 (EP300 lysine acetyltransferase; plus strand). Cytogenetic location: 22q13.2.
Variant type: single nucleotide variant.
Coding change: c.5023C>T on transcript NM_001429.4 (MANE Select); coding-DNA position 5023, C replaced by T.
Protein change: p.His1675Tyr; replaces histidine 1675 with tyrosine.
Molecular consequence: missense variant.
Genome position (GRCh38, 1-based): chr22:41,176,490, C>T. VCF-style: chr22-41176490-C-T. GRCh37 (hg19) VCF-style: chr22-41572494-C-T.
Other names: c.4945C>T, p.His1649Tyr (NM_001362843.2); short protein forms H1649Y, H1675Y.
Identifiers: ClinVar variation 4819125 (VCV004819125.1).
Genomic context (GRCh38, chr22:41,176,490, plus strand): 5'-CTGGTGGAGCTGCACACGCAGAGCCAGGACCGCTTTGTCTACACCTGCAATGAATGCAAG[C>T]ACCATGTGGAGACACGCTGGCACTGTACTGTCTGTGAGGTAGGCACCGGGTTGTGGGAAG-3'
Protein context (NP_001420.2, residues 1665-1685): RFVYTCNECK[His1675Tyr]HVETRWHCTV

ClinVar aggregate classification (germline): Uncertain significance (1 of 4 stars; one submission).

Conditions:
Menke-Hennekam syndrome 2 (MKHK2). Identifiers: MedGen C5193035, MONDO:0020769, OMIM 618333.

Submission:

Institute of Human Genetics, University of Leipzig Medical Center
Classification: Uncertain significance for Menke-Hennekam syndrome 2. Last evaluated: 2026-02-09. Review status: criteria provided, single submitter. Criteria: ACMG Guidelines, 2015. Collection method: clinical testing. Allele origin: maternal. Inheritance: Autosomal dominant inheritance. Affected: yes.
Comment: Criteria applied: PM1,PM2,PP3